The following is an entry in ClinVar:

NM_001197293.3(DPYSL2):c.5C>G (p.Ala2Gly)

Gene: DPYSL2 (dihydropyrimidinase like 2; plus strand). Cytogenetic location: 8p21.2.
Variant type: single nucleotide variant.
Coding change: c.5C>G on transcript NM_001197293.3 (MANE Select); coding-DNA position 5, C replaced by G.
Protein change: p.Ala2Gly; replaces alanine 2 with glycine.
Molecular consequence: missense variant.
Genome position (GRCh38, 1-based): chr8:26,514,330, C>G. VCF-style: chr8-26514330-C-G. GRCh37 (hg19) VCF-style: chr8-26371846-C-G.
Other names: short protein forms A2G.
Identifiers: ClinVar variation 4995861 (VCV004995861.1).

ClinVar aggregate classification (germline): Uncertain significance (1 of 4 stars; one submission).

Conditions:
DPYSL2-related disorder. Also called: DPYSL2-related condition.

Submission:

PreventionGenetics, part of Exact Sciences
Classification: Uncertain significance for DPYSL2-related condition. Last evaluated: 2026-03-31. Review status: criteria provided, single submitter. Criteria: ACMG Guidelines, 2015. Collection method: clinical testing. Allele origin: germline.
Comment: The DPYSL2 c.5C>G variant is predicted to result in the amino acid substitution p.Ala2Gly. To our knowledge, this variant has not been reported in the literature or in a large population database (gnomAD), indicating this variant is rare. At this time, the clinical significance of this variant is uncertain due to the absence of conclusive functional and genetic evidence.